The following is an entry in ClinVar:

ClinVar aggregate classification (germline): Pathogenic (1 of 4 stars; one submission).

Submission:

Labcorp Genetics (formerly Invitae), Labcorp
Classification: Pathogenic. Last evaluated: 2025-01-01. Review status: criteria provided, single submitter. Criteria: Invitae Variant Classification Sherloc (09022015). Collection method: clinical testing. Allele origin: germline.
Comment: This sequence change creates a premature translational stop signal (p.Pro546Alafs*9) in the COL11A1 gene. It is expected to result in an absent or disrupted protein product. Loss-of-function variants in COL11A1 are known to be pathogenic (PMID: 20513134, 21035103, 23922384, 25240749, 32427345, 32756486). This variant is not present in population databases (gnomAD no frequency). This variant has not been reported in the literature in individuals affected with COL11A1-related conditions. For these reasons, this variant has been classified as Pathogenic.

Literature cited by the submitters: PubMed 20513134; PubMed 21035103; PubMed 23922384; PubMed 25240749; PubMed 32427345; PubMed 32756486.

NC_000001.11:g.103008517dup

Gene: COL11A1 (collagen type XI alpha 1 chain; minus strand). Cytogenetic location: 1p21.1.
Variant type: Duplication.
Genome position: GRCh38 VCF-style: chr1-103008510-G-GC. GRCh37 (hg19) VCF-style: chr1-103474066-G-GC.
Identifiers: ClinVar variation 3622036 (VCV003622036.2).